The following is an entry in ClinVar:

NM_001134407.3(GRIN2A):c.2532G>A (p.Lys844=)

Gene: GRIN2A (glutamate ionotropic receptor NMDA type subunit 2A; minus strand). Cytogenetic location: 16p13.2.
Variant type: single nucleotide variant.
Coding change: c.2532G>A on transcript NM_001134407.3 (MANE Select); coding-DNA position 2532, G replaced by A.
Protein change: p.Lys844=; no amino-acid change (lysine 844 retained).
Molecular consequence: synonymous variant.
Genome position (GRCh38, 1-based): chr16:9,768,914, C>T on the plus strand (G>A on the coding strand, the complement: GRIN2A is on the minus strand). VCF-style: chr16-9768914-C-T. GRCh37 (hg19) VCF-style: chr16-9862771-C-T.
Other names: c.2532G>A, p.Lys844= (NM_000833.5, NM_001134408.2).
Identifiers: ClinVar variation 321609 (VCV000321609.13), dbSNP rs754414929, ClinGen allele CA7896493.

ClinVar aggregate classification (germline): Benign. Review status: criteria provided, multiple submitters, no conflicts (2 of 4 stars). 2 submissions from 2 submitters: Benign (2). Last evaluated 2024-06-07.

Conditions:
Landau-Kleffner syndrome (FESD). Also called: EPILEPSY, FOCAL, WITH SPEECH DISORDER AND WITH OR WITHOUT MENTAL RETARDATION; APHASIA, ACQUIRED, WITH EPILEPSY. Identifiers: Orphanet 1945, Orphanet 725, Orphanet 98818, MedGen C0282512, MONDO:0009509, OMIM 245570.

Allele frequency attached by ClinVar (database versions not stated): gnomAD 0.00005 and 0.00004; gnomAD exomes 0.00001 and 0.00008; ExAC 0.00005; TOPMed 0.00003.
gnomAD v4.1: 27 of 1,614,206 alleles (0.0017%); highest among the groups gnomAD compares: East Asian, 0.058%; no homozygotes.

Submissions (2):

Labcorp Genetics (formerly Invitae), Labcorp
Classification: Benign for Landau-Kleffner syndrome. Last evaluated: 2024-06-07. Review status: criteria provided, single submitter. Criteria: Invitae Variant Classification Sherloc (09022015). Collection method: clinical testing. Allele origin: germline.

Illumina Laboratory Services, Illumina
Classification: Benign for Landau-Kleffner syndrome. Last evaluated: 2018-01-13. Review status: criteria provided, single submitter. Criteria: ICSL Variant Classification Criteria 13 December 2019. Collection method: clinical testing. Allele origin: germline.
Comment: This variant was observed in the ICSL laboratory as part of a predisposition screen in an ostensibly healthy population. It had not been previously curated by ICSL or reported in the Human Gene Mutation Database (HGMD: prior to June 1st, 2018), and was therefore a candidate for classification through an automated scoring system. Utilizing variant allele frequency, disease prevalence and penetrance estimates, and inheritance mode, an automated score was calculated to assess if this variant is too frequent to cause the disease. Based on the score and internal cut-off values, a variant classified as benign is not then subjected to further curation. The score for this variant resulted in a classification of benign for this disease.